The following is an entry in ClinVar:

ClinVar aggregate classification (germline): Benign (1 of 4 stars; one submission).

Conditions:
Fibrous dysplasia of jaw (CRBM). Also called: Cherubism. Identifiers: Orphanet 184, MedGen C0008029, MONDO:0007315, OMIM 118400.

Allele frequency attached by ClinVar (database versions not stated): 1000 Genomes Project 0.00080; 1000 Genomes Project 30x 0.00094; TOPMed 0.00131; gnomAD 0.00154 and 0.00158; gnomAD exomes 0.00231.
gnomAD v4.1: 1,892 of 877,166 alleles (0.22%); highest among the groups gnomAD compares: Non-Finnish European, 0.28%; 4 homozygotes.

Submission:

Illumina Laboratory Services, Illumina
Classification: Benign for Fibrous dysplasia of jaw. Last evaluated: 2018-01-12. Review status: criteria provided, single submitter. Criteria: ICSL Variant Classification Criteria 13 December 2019. Collection method: clinical testing. Allele origin: germline.
Comment: This variant was observed in the ICSL laboratory as part of a predisposition screen in an ostensibly healthy population. It had not been previously curated by ICSL or reported in the Human Gene Mutation Database (HGMD: prior to June 1st, 2018), and was therefore a candidate for classification through an automated scoring system. Utilizing variant allele frequency, disease prevalence and penetrance estimates, and inheritance mode, an automated score was calculated to assess if this variant is too frequent to cause the disease. Based on the score and internal cut-off values, a variant classified as benign is not then subjected to further curation. The score for this variant resulted in a classification of benign for this disease.

NM_001122681.2(SH3BP2):c.*162G>A

Gene: SH3BP2 (SH3 domain binding protein 2; plus strand). Cytogenetic location: 4p16.3.
Variant type: single nucleotide variant.
Coding change: c.*162G>A on transcript NM_001122681.2 (MANE Select); 162 bases downstream of the stop codon, G replaced by A.
Molecular consequence: 3 prime UTR variant.
Genome position (GRCh38, 1-based): chr4:2,833,996, G>A. VCF-style: chr4-2833996-G-A. GRCh37 (hg19) VCF-style: chr4-2835723-G-A.
Other names: c.*162G>A (LRG_1334t1, LRG_1334t2, NM_001145855.2 and 2 more transcripts).
Identifiers: ClinVar variation 348599 (VCV000348599.5), dbSNP rs61791176, ClinGen allele CA10617672.